The following is an entry in ClinVar:

NM_001844.5(COL2A1):c.184G>A (p.Val62Ile)

Gene: COL2A1 (collagen type II alpha 1 chain; minus strand). Cytogenetic location: 12q13.11.
Variant type: single nucleotide variant.
Coding change: c.184G>A on transcript NM_001844.5 (MANE Select); coding-DNA position 184, G replaced by A.
Protein change: p.Val62Ile; replaces valine 62 with isoleucine.
Molecular consequence: missense variant. On other transcripts: intron variant (1).
Genome position (GRCh38, 1-based): chr12:48,000,027, C>T on the plus strand (G>A on the coding strand, the complement: COL2A1 is on the minus strand). VCF-style: chr12-48000027-C-T. GRCh37 (hg19) VCF-style: chr12-48393810-C-T.
Other names: c.86-1596G>A (NM_033150.3); short protein forms V62I.
Identifiers: ClinVar variation 4986232 (VCV004986232.1).
Genomic context (GRCh38, chr12:48,000,027, plus strand): 5'-AGGGGATCTCAGGGCTGAGGCAGTCTTTCACGTCTTCACAGATTATGTCGTCGCAGAGGA[C>T]AGTCCCAGTGTCACAGACACAGATCCGGCAGGGCTCCGGCTTCCACACATCCTTATCATT-3'
Protein context (NP_001835.3, residues 52-72): CRICVCDTGT[Val62Ile]LCDDIICEDV

ClinVar aggregate classification (germline): Uncertain significance (1 of 4 stars; one submission).

Conditions:
COL2A1-related disorder. Also called: COL2A1-related condition; COL2A1-related disorders.

gnomAD v4.1: 4 of 1,614,106 alleles (0.00025%); highest among the groups gnomAD compares: Non-Finnish European, 0.00017%; no homozygotes.

Submission:

PreventionGenetics, part of Exact Sciences
Classification: Uncertain significance for COL2A1-related condition. Last evaluated: 2025-08-12. Review status: criteria provided, single submitter. Criteria: ACMG Guidelines, 2015. Collection method: clinical testing. Allele origin: germline.
Comment: The COL2A1 c.184G>A variant is predicted to result in the amino acid substitution p.Val62Ile. To our knowledge, this variant has not been reported in the literature or in a large population database (gnomAD), indicating this variant is rare. At this time, the clinical significance of this variant is uncertain due to the absence of conclusive functional and genetic evidence.